The following is an entry in ClinVar:

NM_033026.6(PCLO):c.121A>T (p.Met41Leu)

Gene: PCLO (piccolo presynaptic cytomatrix protein; minus strand). Cytogenetic location: 7q21.11.
Variant type: single nucleotide variant.
Coding change: c.121A>T on transcript NM_033026.6 (MANE Select); coding-DNA position 121, A replaced by T.
Protein change: p.Met41Leu; replaces methionine 41 with leucine.
Molecular consequence: missense variant.
Genome position (GRCh38, 1-based): chr7:83,162,472, T>A on the plus strand (A>T on the coding strand, the complement: PCLO is on the minus strand). VCF-style: chr7-83162472-T-A. GRCh37 (hg19) VCF-style: chr7-82791788-T-A.
Other names: c.121A>T, p.Met41Leu (NM_014510.3); short protein forms M41L.
Identifiers: ClinVar variation 1466291 (VCV001466291.8), dbSNP rs778604385, ClinGen allele CA4321749.

ClinVar aggregate classification (germline): Uncertain significance (1 of 4 stars; one submission).

Allele frequency attached by ClinVar (database versions not stated): ExAC 0.00003.
gnomAD v4.1: 4 of 1,585,250 alleles (0.00025%); highest among the groups gnomAD compares: Non-Finnish European, 0.00034%; no homozygotes.

Submission:

Labcorp Genetics (formerly Invitae), Labcorp
Classification: Uncertain significance. Last evaluated: 2022-05-04. Review status: criteria provided, single submitter. Criteria: Invitae Variant Classification Sherloc (09022015). Collection method: clinical testing. Allele origin: germline.
Comment: This sequence change replaces methionine, which is neutral and non-polar, with leucine, which is neutral and non-polar, at codon 41 of the PCLO protein (p.Met41Leu). This variant is present in population databases (rs778604385, gnomAD 0.004%). This variant has not been reported in the literature in individuals affected with PCLO-related conditions. Algorithms developed to predict the effect of missense changes on protein structure and function are either unavailable or do not agree on the potential impact of this missense change (SIFT: "Tolerated"; PolyPhen-2: "Not Available"; Align-GVGD: "Class C0"). In summary, the available evidence is currently insufficient to determine the role of this variant in disease. Therefore, it has been classified as a Variant of Uncertain Significance.